The following is an entry in ClinVar:

NM_018975.4(TERF2IP):c.971A>C (p.Lys324Thr)

Gene: TERF2IP (TERF2 interacting protein; plus strand). Cytogenetic location: 16q23.1.
Variant type: single nucleotide variant.
Coding change: c.971A>C on transcript NM_018975.4 (MANE Select); coding-DNA position 971, A replaced by C.
Protein change: p.Lys324Thr; replaces lysine 324 with threonine.
Molecular consequence: missense variant. On other transcripts: non-coding transcript variant (1).
Genome position (GRCh38, 1-based): chr16:75,656,382, A>C. VCF-style: chr16-75656382-A-C. GRCh37 (hg19) VCF-style: chr16-75690280-A-C.
Other names: short protein forms K324T.
Identifiers: ClinVar variation 1767964 (VCV001767964.2), dbSNP rs2082386330, ClinGen allele CA396819984.

ClinVar aggregate classification (germline): Uncertain significance (1 of 4 stars; one submission).

Allele frequency attached by ClinVar (database versions not stated): TOPMed 0.00001.

Submission:

Ambry Genetics
Classification: Uncertain significance. Last evaluated: 2021-12-01. Review status: criteria provided, single submitter. Criteria: Ambry Variant Classification Scheme 2023. Collection method: clinical testing. Allele origin: germline.
Comment: The p.K324T variant (also known as c.971A>C), located in coding exon 3 of the TERF2IP gene, results from an A to C substitution at nucleotide position 971. The lysine at codon 324 is replaced by threonine, an amino acid with similar properties. This amino acid position is conserved. In addition, this alteration is predicted to be tolerated by in silico analysis. Since supporting evidence is limited at this time, the clinical significance of this alteration remains unclear.